The following is an entry in ClinVar:

NM_018136.5(ASPM):c.3791G>A (p.Arg1264His)

Gene: ASPM (assembly factor for spindle microtubules; minus strand). Cytogenetic location: 1q31.3.
Variant type: single nucleotide variant.
Coding change: c.3791G>A on transcript NM_018136.5 (MANE Select); coding-DNA position 3791, G replaced by A.
Protein change: p.Arg1264His; replaces arginine 1264 with histidine.
Molecular consequence: missense variant.
Genome position (GRCh38, 1-based): chr1:197,121,994, C>T on the plus strand (G>A on the coding strand, the complement: ASPM is on the minus strand). VCF-style: chr1-197121994-C-T. GRCh37 (hg19) VCF-style: chr1-197091124-C-T.
Other names: c.3791G>A, p.Arg1264His (NM_001206846.2); short protein forms R1264H.
Identifiers: ClinVar variation 294635 (VCV000294635.34), dbSNP rs150125249, ClinGen allele CA1310078.

ClinVar aggregate classification (germline): Benign/Likely benign. Review status: criteria provided, multiple submitters, no conflicts (2 of 4 stars). 11 submissions from 11 submitters: Benign (3); Likely benign (7). 1 of the submissions does not count toward it. Last evaluated 2026-09-01.

Conditions:
Microcephaly 5, primary, autosomal recessive (MCPH5). Also called: ASPM Primary Microcephaly. Identifiers: Orphanet 2512, MedGen C1837501, MONDO:0012106, OMIM 608716.
Inborn genetic diseases. Identifiers: MedGen C0950123, MeSH D030342.
Intellectual disability. Also called: Intellectual functioning disability; Intellectual developmental disorder; intellectual disabilities. Identifiers: MedGen C3714756, MeSH D008607, MONDO:0001071, HP:0001249.

Allele frequency attached by ClinVar (database versions not stated): gnomAD exomes 0.00091; ExAC 0.00117; gnomAD 0.00357 and 0.00378; TOPMed 0.00376; ESP Exome Variant Server 0.00431; 1000 Genomes Project 0.00479; 1000 Genomes Project 30x 0.00547.
gnomAD v4.1: 1,050 of 1,611,620 alleles (0.065%); highest among the groups gnomAD compares: African/African-American, 1.1%; 5 homozygotes.

Submissions (11):

CeGaT Center for Human Genetics Tuebingen
Classification: Likely benign. Last evaluated: 2026-09-01. Review status: criteria provided, single submitter. Criteria: CeGaT Center For Human Genetics Tuebingen Variant Classification Criteria Version 2. Collection method: clinical testing. Allele origin: germline. Affected: yes. Observed: 2 variant alleles.
Comment: ASPM: BS1

Labcorp Genetics (formerly Invitae), Labcorp
Classification: Benign. Last evaluated: 2026-01-23. Review status: criteria provided, single submitter. Criteria: Invitae Variant Classification Sherloc (09022015). Collection method: clinical testing. Allele origin: germline.

Ambry Genetics
Classification: Likely benign for Inborn genetic diseases. Last evaluated: 2025-11-19. Review status: criteria provided, single submitter. Criteria: Ambry Variant Classification Scheme 2023. Collection method: clinical testing. Allele origin: germline.

Blueprint Genetics
Classification: Likely benign. Last evaluated: 2024-10-22. Review status: criteria provided, single submitter. Criteria: ACMG Guidelines, 2015. Collection method: clinical testing. Allele origin: germline.

Athena Diagnostics
Classification: Benign. Last evaluated: 2024-06-06. Review status: criteria provided, single submitter. Criteria: Athena Diagnostics Criteria. Collection method: clinical testing. Allele origin: unknown.

Genome-Nilou Lab
Classification: Likely benign for Microcephaly 5, primary, autosomal recessive. Last evaluated: 2023-04-11. Review status: criteria provided, single submitter. Criteria: ACMG Guidelines, 2015. Collection method: clinical testing. Allele origin: germline. Affected: no.

Fulgent Genetics
Classification: Likely benign for Microcephaly 5, primary, autosomal recessive. Last evaluated: 2021-10-20. Review status: criteria provided, single submitter. Criteria: ACMG Guidelines, 2015. Collection method: clinical testing. Allele origin: unknown.

GeneDx
Classification: Benign. Last evaluated: 2019-08-07. Review status: criteria provided, single submitter. Criteria: GeneDx Variant Classification Process June 2021. Collection method: clinical testing. Allele origin: germline. Affected: yes.

Illumina Laboratory Services, Illumina
Classification: Likely benign for Microcephaly 5, primary, autosomal recessive. Last evaluated: 2018-01-13. Review status: criteria provided, single submitter. Criteria: ICSL Variant Classification Criteria 13 December 2019. Collection method: clinical testing. Allele origin: germline.
Comment: This variant was observed in the ICSL laboratory as part of a predisposition screen in an ostensibly healthy population. It had not been previously curated by ICSL or reported in the Human Gene Mutation Database (HGMD: prior to June 1st, 2018), and was therefore a candidate for classification through an automated scoring system. Utilizing variant allele frequency, disease prevalence and penetrance estimates, and inheritance mode, an automated score was calculated to assess if this variant is too frequent to cause the disease. Based on the score and internal cut-off values, a variant classified as likely benign is not then subjected to further curation. The score for this variant resulted in a classification of likely benign for this disease.

Breakthrough Genomics
Classification: Likely benign. Review status: criteria provided, single submitter. Criteria: ACMG Guidelines, 2015. Collection method: not provided. Allele origin: germline. Inheritance: Autosomal recessive inheritance. Affected: yes.

Centre de Biologie Pathologie Génétique, Centre Hospitalier Universitaire de Lille
Classification: Likely benign for Intellectual disability. Last evaluated: 2019-01-01. Review status: no assertion criteria provided. Collection method: clinical testing. Allele origin: inherited. Affected: yes. Not counted in ClinVar's aggregate classification.

Literature cited by the submitters: PubMed 24123366 (cited by Athena Diagnostics).